The following is an entry in ClinVar:

ClinVar aggregate classification (germline): Benign. Review status: criteria provided, multiple submitters, no conflicts (2 of 4 stars). 3 submissions from 3 submitters: Benign (3). Last evaluated 2021-05-10.

Conditions:
Desbuquois dysplasia 1 (DBQD1). Also called: MICROMELIC DWARFISM WITH VERTEBRAL AND METAPHYSEAL ABNORMALITIES AND ADVANCED CARPOTARSAL OSSIFICATION; DESBUQUOIS DYSPLASIA 1, KIM VARIANT. Identifiers: Orphanet 1425, MedGen C4012146, MONDO:0009629, OMIM 251450.

Allele frequency attached by ClinVar (database versions not stated): gnomAD exomes 0.22222; gnomAD 0.25147; TOPMed 0.27758; 1000 Genomes Project 0.31749; 1000 Genomes Project 30x 0.32199.
gnomAD v4.1: 38,814 of 151,284 alleles (26%); highest among the groups gnomAD compares: East Asian, 41%; 5,918 homozygotes.

Submissions (3):

GeneDx
Classification: Benign. Last evaluated: 2021-05-10. Review status: criteria provided, single submitter. Criteria: GeneDx Variant Classification Process June 2021. Collection method: clinical testing. Allele origin: germline. Affected: yes.

Illumina Laboratory Services, Illumina
Classification: Benign for Desbuquois dysplasia 1. Last evaluated: 2018-01-13. Review status: criteria provided, single submitter. Criteria: ICSL Variant Classification Criteria 13 December 2019. Collection method: clinical testing. Allele origin: germline.
Comment: This variant was observed in the ICSL laboratory as part of a predisposition screen in an ostensibly healthy population. It had not been previously curated by ICSL or reported in the Human Gene Mutation Database (HGMD: prior to June 1st, 2018), and was therefore a candidate for classification through an automated scoring system. Utilizing variant allele frequency, disease prevalence and penetrance estimates, and inheritance mode, an automated score was calculated to assess if this variant is too frequent to cause the disease. Based on the score and internal cut-off values, a variant classified as benign is not then subjected to further curation. The score for this variant resulted in a classification of benign for this disease.

Breakthrough Genomics
Classification: Benign. Review status: criteria provided, single submitter. Criteria: ACMG Guidelines, 2015. Collection method: not provided. Allele origin: germline. Inheritance: Autosomal recessive inheritance. Affected: yes.

NM_001159773.2(CANT1):c.-239A>G

Genes: CANT1 (calcium activated nucleotidase 1; minus strand), LOC130061867 (ATAC-STARR-seq lymphoblastoid silent region 9077; plus strand). Cytogenetic location: 17q25.3.
Variant type: single nucleotide variant.
Coding change: c.-239A>G on transcript NM_001159773.2 (MANE Select); 239 bases upstream of the start codon, A replaced by G.
Molecular consequence: 5 prime UTR variant.
Genome position (GRCh38, 1-based): chr17:79,009,756, T>C on the plus strand (A>G on the coding strand, the complement: CANT1 is on the minus strand). VCF-style: chr17-79009756-T-C. GRCh37 (hg19) VCF-style: chr17-77005838-T-C.
Other names: c.-378A>G (NM_001159772.2); c.-434A>G (NM_138793.4).
Identifiers: ClinVar variation 325721 (VCV000325721.9), dbSNP rs12949479, ClinGen allele CA10650354.